The following continues an entry in ClinVar:

NM_005609.4(PYGM):c.1094C>T (p.Ala365Val)

Gene: PYGM. ClinVar aggregate classification (germline): Conflicting classifications of pathogenicity. Pathogenic (4); Likely pathogenic (11); Uncertain significance (6).

Submissions 14 to 23 of 23:

Labcorp Genetics (formerly Invitae), Labcorp
Classification: Uncertain significance for Glycogen storage disease, type V. Last evaluated: 2022-11-01. Review status: criteria provided, single submitter. Criteria: Invitae Variant Classification Sherloc (09022015). Collection method: clinical testing. Allele origin: germline.
Comment: This sequence change replaces alanine, which is neutral and non-polar, with valine, which is neutral and non-polar, at codon 365 of the PYGM protein (p.Ala365Val). This variant is present in population databases (rs116135678, gnomAD 0.1%), and has an allele count higher than expected for a pathogenic variant. This missense change has been observed in individual(s) with McArdle disease (PMID: 17221871, 29143597; Invitae). In at least one individual the data is consistent with being in trans (on the opposite chromosome) from a pathogenic variant. ClinVar contains an entry for this variant (Variation ID: 203394). Algorithms developed to predict the effect of missense changes on protein structure and function are either unavailable or do not agree on the potential impact of this missense change (SIFT: "Not Available"; PolyPhen-2: "Possibly Damaging"; Align-GVGD: "Not Available"). In summary, the available evidence is currently insufficient to determine the role of this variant in disease. Therefore, it has been classified as a Variant of Uncertain Significance.

Laboratory for Molecular Medicine, Mass General Brigham Personalized Medicine
Classification: Likely pathogenic for Glycogen storage disease, type V. Last evaluated: 2022-06-30. Review status: criteria provided, single submitter. Criteria: ACMG Guidelines, 2015. Collection method: clinical testing. Allele origin: germline.
Comment: The p.Ala365Val variant in PYGM has been reported, in the compound heterozygous state, in over 5 individuals with Glycogen Storage Disease, Type V (McArdle disease ) (Vieitez 2011 PMID: 21802952, Rubio 2007 PMID: 17630210, Bruno 2006 PMID: 16786513, Lucia 2012 PMID: 22250184, Inal-Gultekin 2017 PMID: 28967462, Santalla 2017 PMID: 29143597). This variant has been reported in ClinVar (Variation ID 203394) and it has been identified in 71/68026 European chromosomes by gnomAD. Computational prediction tools and conservation analyses suggest that this variant may impact the protein, though this information is not predictive enough to determine pathogenicity. In summary, although additional studies are required to fully establish its clinical significance, this variant meets criteria to be classified as likely pathogenic for autosomal recessive Glycogen Storage Disease, Type V. ACMG/AMP Criteria applied: PM3_Very Strong, PP3.

Practice for Gait Abnormalities, David Pomarino, Competency Network Toe Walking C/o Practice Pomarino
Classification: Pathogenic for Tip-toe gait. Last evaluated: 2022-01-11. Review status: criteria provided, single submitter. Criteria: ACMG Guidelines, 2015. Collection method: clinical testing. Allele origin: germline. Affected: yes.
Comment: Toe Walking has various causes, ranging from idiopathic or habitual reasons to an underlying neuromuscular disease. The most observed form of toe walking is idiopathic toe walking (ITW) - a diagnosis of exclusion. ITW occurs in about 5% of children after their second birthday and is a common problem in pediatric orthopedics. In about 70% of these cases, there is spontaneous remission within six months of the onset of ITW. If the toe walk persists, one can assume the presence of a non-idiopathic form of toe walk (n-ITW). In n-ITW, the causes of the abnormal gait are neurological or myogenic. Differential diagnoses such as infantile cerebral palsy, muscular dystrophy, spinal amyotrophy and hereditary motor-sensory neuropathy as well as rare metabolic disorders of the musculature must be considered (Pomarino et al., 2018). In our clinical ITW consultation, we screen children with n-ITW for a genetic form of tiptoe gait using next generation sequencing for gene variants in 49 genes. These are genes in which gene variants can lead to neuromuscular diseases in which an association with toe-tapping gait has been reported or can be suspected due to patients’ clinical symptoms. To the best of our knowledge, this is the first study in which several patients with toe walking displayed heterozygosity for pathogenic or likely pathogenic PYGM mutations and mild symptoms of the metabolic muscle disease McArdle. The findings of our research are in line with recently published observations in heterozygous family members patients with McArdle disease. We should mention that some of the patients in our cohort harbored heterozygous variants in other genes of our gene panel. However, the numbers in this study were too small to workout any resulting combined genetic effects. It is concluded that genetic conditions can contribute to the development of toe walking. Apparently, even a slight genetic weakening of the muscles can lead to changes to the gait pattern. Future studies must show how the pathomechanism can be explained for the PYGM variants and whether there are new therapeutic approaches to be developed based on this research.

Genome-Nilou Lab
Classification: Uncertain significance for Glycogen storage disease, type V. Last evaluated: 2021-06-10. Review status: criteria provided, single submitter. Criteria: ACMG Guidelines, 2015. Collection method: clinical testing. Allele origin: germline. Affected: no.

Mayo Clinic Laboratories, Mayo Clinic
Classification: Likely pathogenic. Last evaluated: 2020-02-10. Review status: criteria provided, single submitter. Criteria: ACMG Guidelines, 2015. Collection method: clinical testing. Allele origin: germline.
Comment: PS4_moderate, PM2, PP3, PP4

Illumina Laboratory Services, Illumina
Classification: Likely pathogenic for Glycogen storage disease, type V. Last evaluated: 2017-04-27. Review status: criteria provided, single submitter. Criteria: ICSL Variant Classification Criteria 09 May 2019. Collection method: clinical testing. Allele origin: germline.
Comment: The PYGM c.1094C>T (p.Arg365Val) missense variant has been reported in four studies in which it is found in a compound heterozygous state in five patients with glycogen storage disease type V, and in two additional patient alleles of unknown zygosity (Bruno et al. 2006; Rubio et al. 2007; Rubio et al. 2007; Lucia et al. 2012). The p.Arg365Val variant was absent from 246 controls but is reported at a frequency of 0.00851 in the other population of the Exome Aggregation Consortium. The Arg365 variant is located in a highly conserved region of the protein (Rubio et al. 2007). Based on the evidence the p.Arg365Val variant is classified as likely pathogenic for glycogen storage disease type V. This variant was observed by ICSL as part of a predisposition screen in an ostensibly healthy population.

Eurofins Ntd Llc (ga)
Classification: Uncertain significance. Last evaluated: 2015-10-26. Review status: criteria provided, single submitter. Criteria: EGL Classification Definitions 2015. Collection method: clinical testing. Allele origin: germline. Observed: 2 variant alleles, 2 heterozygotes.

Kariminejad - Najmabadi Pathology & Genetics Center
Classification: Likely pathogenic for Glycogen storage disease, type V. Review status: criteria provided, single submitter. Criteria: ACMG Guidelines, 2015. Collection method: clinical testing. Allele origin: germline. Affected: no.

Division of Human Genetics, Children's Hospital of Philadelphia
Classification: Likely pathogenic for McArdle disease. Last evaluated: 2015-05-27. Review status: no assertion criteria provided. Collection method: research. Allele origin: germline. Affected: no. Study: CSER-PediSeq. Not counted in ClinVar's aggregate classification.
Comment: The variant (c.1094C>T; p.A365V) is considered to be likely pathogenic because it has been reported in several patients with biochemically proven McArdle disease across multiple cohorts and has been modeled to occur in a very densely packed and critical region of the gene for glycogen binding (PMID: 21802952; 17630210; 17221871). It occurs at low frequencies in ExAC (allele frequency of 65 out of 62854 alleles, 0.1%). The variant occurs in highly conserved amino acid and nucleotide positions but not in a functional domain.

Department of Pathology and Laboratory Medicine, Sinai Health System
Classification: Uncertain significance. Review status: no assertion criteria provided. Collection method: clinical testing. Allele origin: unknown. Affected: yes. Study: The Canadian Open Genetics Repository (COGR). Not counted in ClinVar's aggregate classification.
Comment: The PYGM p.Ala277Val variant was identified in 5 of 666 proband chromosomes (frequency: 0.0075) from individuals with McArdle disease (Santalla_2017_PMID:29143597). The variant was identified in dbSNP (ID: rs116135678) and ClinVar (classified as uncertain significance by Invitae and EGL Genetics and as likely pathogenic by Illumina and Division of Human Genetics, Children's Hospital of Philadelphia). The variant was also identified in control databases in 172 of 256272 chromosomes at a frequency of 0.0006712 increasing the likelihood this could be a low frequency benign variant (Genome Aggregation Database March 6, 2019, v2.1.1). The variant was observed in the following populations: Ashkenazi Jewish in 10 of 9824 chromosomes (freq: 0.001018), European (non-Finnish) in 115 of 115330 chromosomes (freq: 0.000997), Latino in 30 of 32778 chromosomes (freq: 0.000915), Other in 6 of 6708 chromosomes (freq: 0.000895), African in 5 of 22454 chromosomes (freq: 0.000223), South Asian in 4 of 28262 chromosomes (freq: 0.000142), East Asian in 1 of 18386 chromosomes (freq: 0.000054), and European (Finnish) in 1 of 22530 chromosomes (freq: 0.000044). The p.Ala277 residue is not conserved in mammals and computational analyses (PolyPhen-2, SIFT, AlignGVGD, BLOSUM, MutationTaster) provide inconsistent predictions regarding the impact to the protein; this information is not very predictive of pathogenicity. The variant occurs outside of the splicing consensus sequence however three of four in silico or computational prediction software programs (SpliceSiteFinder, MaxEntScan, NNSPLICE, GeneSplicer) predict a greater than 10% difference in splicing. In summary, based on the above information the clinical significance of this variant cannot be determined with certainty at this time. This variant is classified as a variant of uncertain significance.

Literature cited by the submitters: PubMed 21802952 (cited by 4 submitters); PubMed 17630210 (cited by 3 submitters); PubMed 16786513 (cited by 4 submitters); PubMed 22250184 (cited by 4 submitters); PubMed 28967462 (cited by Dasa and Women's Health and Genetics/Laboratory Corporation of America, LabCorp); PubMed 29143597 (cited by 5 submitters); PubMed 17221871 (cited by 6 submitters); PubMed 25741863 (cited by Women's Health and Genetics/Laboratory Corporation of America, LabCorp); PubMed 37769369 (cited by Women's Health and Genetics/Laboratory Corporation of America, LabCorp); PubMed 29881221 (cited by Practice for Gait Abnormalities, David Pomarino, Competency Network Toe Walking C/o Practice Pomarino); DOI 10.1016/j.rchot.2016.09.001 (cited by Practice for Gait Abnormalities, David Pomarino, Competency Network Toe Walking C/o Practice Pomarino); DOI 10.51793/OS.2022.25.6.010 (cited by Practice for Gait Abnormalities, David Pomarino, Competency Network Toe Walking C/o Practice Pomarino).